The following is an entry in ClinVar:

ClinVar aggregate classification (germline): Conflicting classifications of pathogenicity. Review status: criteria provided, conflicting classifications (1 of 4 stars). 2 submissions from 2 submitters: Pathogenic (1); Uncertain significance (1). Last evaluated 2024-03-26.

Conditions:
Trichothiodystrophy 4, nonphotosensitive. Also called: AMISH BRITTLE HAIR BRAIN SYNDROME; BIDS SYNDROME; Trichothiodystrophy nonphotosensitive; HAIR-BRAIN SYNDROME. Identifiers: MedGen C1313961, MONDO:0021013, OMIM 234050.

Submissions (2):

Genomic Medicine Center of Excellence, King Faisal Specialist Hospital and Research Centre
Classification: Uncertain significance for Trichothiodystrophy 4, nonphotosensitive. Last evaluated: 2024-03-26. Review status: criteria provided, single submitter. Criteria: ACMG Guidelines, 2015. Collection method: clinical testing. Allele origin: germline.

Labcorp Genetics (formerly Invitae), Labcorp
Classification: Pathogenic. Last evaluated: 2022-10-28. Review status: criteria provided, single submitter. Criteria: Invitae Variant Classification Sherloc (09022015). Collection method: clinical testing. Allele origin: germline.
Comment: This sequence change creates a premature translational stop signal (p.Arg126Valfs*27) in the MPLKIP gene. While this is not anticipated to result in nonsense mediated decay, it is expected to disrupt the last 54 amino acid(s) of the MPLKIP protein. For these reasons, this variant has been classified as Pathogenic. This variant disrupts a region of the MPLKIP protein in which other variant(s) (p.Met144Val) have been determined to be pathogenic (PMID: 15645389). This suggests that this is a clinically significant region of the protein, and that variants that disrupt it are likely to be disease-causing. This premature translational stop signal has been observed in individual(s) with clinical features of non-photosensitive trichothiodystrophy (PMID: 31130284). This variant is not present in population databases (gnomAD no frequency).

Literature cited by the submitters: PubMed 15645389 (cited by Labcorp Genetics (formerly Invitae), Labcorp); PubMed 31130284 (cited by Labcorp Genetics (formerly Invitae), Labcorp).

NM_138701.4(MPLKIP):c.372del (p.Arg126fs)

Gene: MPLKIP (M-phase specific PLK1 interacting protein; minus strand). Cytogenetic location: 7p14.1.
Variant type: Deletion.
Coding change: c.372del on transcript NM_138701.4 (MANE Select); coding-DNA position 372, one base deleted (A; older notation c.372delA).
Protein change: p.Arg126fs; shifts the reading frame from arginine 126.
Molecular consequence: frameshift variant.
Genome position (GRCh38, 1-based): chr7:40,133,227, T deleted on the plus strand (A on the coding strand, the reverse complement: MPLKIP is on the minus strand). VCF-style (leftmost placement, unchanged base first): chr7-40133226-CT-C. GRCh37 (hg19) VCF-style: chr7-40172825-CT-C.
Other names: short protein forms R126fs.
Identifiers: ClinVar variation 1929397 (VCV001929397.6), dbSNP rs2484134094, ClinGen allele CA2580077102.